The following is an entry in ClinVar:

ClinVar aggregate classification (germline): Benign. Review status: criteria provided, multiple submitters, no conflicts (2 of 4 stars). 3 submissions from 3 submitters: Benign (2). 1 of the submissions does not count toward it. Last evaluated 2018-03-28.

Conditions:
CABIN1-related disorder. Also called: CABIN1-related condition.

Allele frequency attached by ClinVar (database versions not stated): 1000 Genomes Project 0.00160; 1000 Genomes Project 30x 0.00172; gnomAD exomes 0.00228 and 0.00257; ExAC 0.00237; TOPMed 0.00242; gnomAD 0.00250 and 0.00257; ESP Exome Variant Server 0.00354.
gnomAD v4.1: 4,117 of 1,614,196 alleles (0.26%); highest among the groups gnomAD compares: Middle Eastern, 0.48%; 14 homozygotes.

Submissions (3):

Labcorp Genetics (formerly Invitae), Labcorp
Classification: Benign. Last evaluated: 2018-03-28. Review status: criteria provided, single submitter. Criteria: Invitae Variant Classification Sherloc (09022015). Collection method: clinical testing. Allele origin: germline.

Breakthrough Genomics
Classification: Benign. Review status: criteria provided, single submitter. Criteria: ACMG Guidelines, 2015. Collection method: not provided. Allele origin: germline. Inheritance: Unknown mechanism. Affected: yes.

PreventionGenetics, part of Exact Sciences
Classification: Likely benign for CABIN1-related condition. Last evaluated: 2019-07-01. Review status: no assertion criteria provided. Collection method: clinical testing. Allele origin: germline. Not counted in ClinVar's aggregate classification.
Comment: This variant is classified as likely benign based on ACMG/AMP sequence variant interpretation guidelines (Richards et al. 2015 PMID: 25741868, with internal and published modifications).

NM_012295.4(CABIN1):c.3318G>A (p.Lys1106=)

Gene: CABIN1 (calcineurin binding protein 1; plus strand). Cytogenetic location: 22q11.23.
Variant type: single nucleotide variant.
Coding change: c.3318G>A on transcript NM_012295.4 (MANE Select); coding-DNA position 3318, G replaced by A.
Protein change: p.Lys1106=; no amino-acid change (lysine 1106 retained).
Molecular consequence: synonymous variant.
Genome position (GRCh38, 1-based): chr22:24,087,506, G>A. VCF-style: chr22-24087506-G-A. GRCh37 (hg19) VCF-style: chr22-24483459-G-A.
Other names: c.3318G>A, p.Lys1106= (NM_001199281.1); c.3168G>A, p.Lys1056= (NM_001201429.2).
Identifiers: ClinVar variation 715921 (VCV000715921.6), dbSNP rs147391076, ClinGen allele CA10149142.